The following is an entry in ClinVar:

ClinVar aggregate classification (germline): Conflicting classifications of pathogenicity. Review status: criteria provided, conflicting classifications (1 of 4 stars). 6 submissions from 6 submitters: Pathogenic (1); Uncertain significance (5). Last evaluated 2025-10-06.

Conditions:
Rienhoff syndrome. Also called: LOEYS-DIETZ SYNDROME 5. Identifiers: MedGen C3810012, MONDO:0014262, OMIM 615582.
Arrhythmogenic right ventricular dysplasia 1. Identifiers: Orphanet 3403, MedGen C1862511, MONDO:0007152, OMIM 107970.
Familial thoracic aortic aneurysm and aortic dissection (TAAD). Also called: Thoracic aortic aneurysms and dissections. Identifiers: Orphanet 91387, MedGen C4707243, MONDO:0019625.

Allele frequency attached by ClinVar (database versions not stated): ExAC 0.00001; gnomAD exomes 0.00001; TOPMed 0.00009; ESP Exome Variant Server 0.00015.

Submissions (6):

Ambry Genetics
Classification: Uncertain significance for Familial thoracic aortic aneurysm and aortic dissection. Last evaluated: 2025-10-06. Review status: criteria provided, single submitter. Criteria: Ambry Variant Classification Scheme 2023. Collection method: clinical testing. Allele origin: germline.
Comment: The p.R163W variant (also known as c.487C>T), located in coding exon 2 of the TGFB3 gene, results from a C to T substitution at nucleotide position 487. The arginine at codon 163 is replaced by tryptophan, an amino acid with dissimilar properties. This alteration has been reported in an aortopathy cohort; however, clinical details were limited (Renner S et al. Genet Med, 2019 Aug;21:1832-1841). This amino acid position is highly conserved in available vertebrate species. In addition, this alteration is predicted to be deleterious by in silico analysis. Since supporting evidence is limited at this time, the clinical significance of this alteration remains unclear.

Labcorp Genetics (formerly Invitae), Labcorp
Classification: Pathogenic for Rienhoff syndrome. Last evaluated: 2025-10-06. Review status: criteria provided, single submitter. Criteria: Invitae Variant Classification Sherloc (09022015). Collection method: clinical testing. Allele origin: germline.
Comment: This sequence change replaces arginine, which is basic and polar, with tryptophan, which is neutral and slightly polar, at codon 163 of the TGFB3 protein (p.Arg163Trp). This variant is present in population databases (rs142601521, gnomAD 0.004%). This missense change has been observed in individuals with clinical features of TGFB3 related conditions (PMID: 30675029; internal data). ClinVar contains an entry for this variant (Variation ID: 191779). Invitae Evidence Modeling of protein sequence and biophysical properties (such as structural, functional, and spatial information, amino acid conservation, physicochemical variation, residue mobility, and thermodynamic stability) indicates that this missense variant is not expected to disrupt TGFB3 protein function with a negative predictive value of 80%. This variant disrupts the p.Arg163 amino acid residue in TGFB3. Other variant(s) that disrupt this residue have been determined to be pathogenic (internal data). This suggests that this residue is clinically significant, and that variants that disrupt this residue are likely to be disease-causing. For these reasons, this variant has been classified as Pathogenic.

GeneDx
Classification: Uncertain significance. Last evaluated: 2025-02-19. Review status: criteria provided, single submitter. Criteria: GeneDx Variant Classification Process June 2021. Collection method: clinical testing. Allele origin: germline. Affected: yes.
Comment: Has been reported in an individual with Marfan syndrome (PMID: 30675029); Not observed at significant frequency in large population cohorts (gnomAD); In silico analysis indicates that this missense variant does not alter protein structure/function; This variant is associated with the following publications: (PMID: 23861362, 27535533, 30675029)

Blueprint Genetics
Classification: Uncertain significance. Last evaluated: 2024-07-13. Review status: criteria provided, single submitter. Criteria: ACMG Guidelines, 2015. Collection method: clinical testing. Allele origin: germline.

Fulgent Genetics
Classification: Uncertain significance for Arrhythmogenic right ventricular dysplasia 1; Rienhoff syndrome. Last evaluated: 2021-11-08. Review status: criteria provided, single submitter. Criteria: ACMG Guidelines, 2015. Collection method: clinical testing. Allele origin: unknown.

Biesecker Lab/Clinical Genomics Section, National Institutes of Health
Classification: Uncertain significance. Last evaluated: 2013-06-24. Review status: criteria provided, single submitter. Criteria: Ng et al. (Circ Cardiovasc Genet. 2013). Collection method: research. Allele origin: unknown. Observed: 1 variant allele. Study: ClinSeq.
Comment: The study set was not selected for affection status in relation to any cancer. Pathogenicity categories were based on literature curation. See Pubmed ID:23861362 for details.

Medical sequencing

Literature cited by the submitters: PubMed 30675029 (cited by Ambry Genetics and Labcorp Genetics (formerly Invitae), Labcorp).

NM_003239.5(TGFB3):c.487C>T (p.Arg163Trp)

Gene: TGFB3 (transforming growth factor beta 3; minus strand). Cytogenetic location: 14q24.3.
Variant type: single nucleotide variant.
Coding change: c.487C>T on transcript NM_003239.5 (MANE Select); coding-DNA position 487, C replaced by T.
Protein change: p.Arg163Trp; replaces arginine 163 with tryptophan.
Molecular consequence: missense variant.
Genome position (GRCh38, 1-based): chr14:75,971,584, G>A on the plus strand (C>T on the coding strand, the complement: TGFB3 is on the minus strand). VCF-style: chr14-75971584-G-A. GRCh37 (hg19) VCF-style: chr14-76437927-G-A.
Other names: c.487C>T, p.Arg163Trp (NM_001329938.2, NM_001329939.2); short protein forms R163W.
Identifiers: ClinVar variation 191779 (VCV000191779.16), dbSNP rs142601521, ClinGen allele CA237519.